The following is an entry in ClinVar:

NM_006901.4(MYO9A):c.5191A>T (p.Thr1731Ser)

Gene: MYO9A (myosin IXA; minus strand). Cytogenetic location: 15q23.
Variant type: single nucleotide variant.
Coding change: c.5191A>T on transcript NM_006901.4 (MANE Select); coding-DNA position 5191, A replaced by T.
Protein change: p.Thr1731Ser; replaces threonine 1731 with serine.
Molecular consequence: missense variant.
Genome position (GRCh38, 1-based): chr15:71,888,068, T>A on the plus strand (A>T on the coding strand, the complement: MYO9A is on the minus strand). VCF-style: chr15-71888068-T-A. GRCh37 (hg19) VCF-style: chr15-72180409-T-A.
Other names: c.5191A>T (NM_006901.2, NM_006901.3); short protein forms T1731S.
Identifiers: ClinVar variation 871414 (VCV000871414.43), dbSNP rs142639438, ClinGen allele CA7641206.

ClinVar aggregate classification (germline): Conflicting classifications of pathogenicity. Review status: criteria provided, conflicting classifications (1 of 4 stars). 3 submissions from 3 submitters: Uncertain significance (2); Likely benign (1). Last evaluated 2025-06-03.

Conditions:
Inborn genetic diseases. Identifiers: MedGen C0950123, MeSH D030342.
MYO9A-related disorder. Also called: MYO9A-related condition.

Allele frequency attached by ClinVar (database versions not stated): gnomAD exomes 0.00015 and 0.00022; ExAC 0.00016; gnomAD 0.00020 and 0.00021; TOPMed 0.00022; ESP Exome Variant Server 0.00031.
gnomAD v4.1: 266 of 1,610,982 alleles (0.017%); highest among the groups gnomAD compares: Middle Eastern, 0.017%; 2 homozygotes.

Submissions (3):

PreventionGenetics, part of Exact Sciences
Classification: Likely benign for MYO9A-related condition. Last evaluated: 2025-06-03. Review status: criteria provided, single submitter. Criteria: ACMG Guidelines, 2015. Collection method: clinical testing. Allele origin: germline.
Comment: This variant is classified as likely benign based on ACMG/AMP sequence variant interpretation guidelines (Richards et al. 2015 PMID: 25741868, with internal and published modifications).

Ambry Genetics
Classification: Uncertain significance for Inborn genetic diseases. Last evaluated: 2022-01-19. Review status: criteria provided, single submitter. Criteria: Ambry Variant Classification Scheme 2023. Collection method: clinical testing. Allele origin: germline.

CeGaT Center for Human Genetics Tuebingen
Classification: Uncertain significance. Last evaluated: 2019-07-01. Review status: criteria provided, single submitter. Criteria: CeGaT Center For Human Genetics Tuebingen Variant Classification Criteria Version 2. Collection method: clinical testing. Allele origin: germline. Affected: yes. Observed: 1 variant allele.